The following is an entry in ClinVar:

NM_001374828.1(ARID1B):c.910G>C (p.Gly304Arg)

Genes: ARID1B (AT-rich interaction domain 1B; plus strand), LOC129997525 (ATAC-STARR-seq lymphoblastoid silent region 17712; plus strand). Cytogenetic location: 6q25.3.
Variant type: single nucleotide variant.
Coding change: c.910G>C on transcript NM_001374828.1 (MANE Select); coding-DNA position 910, G replaced by C.
Protein change: p.Gly304Arg; replaces glycine 304 with arginine.
Molecular consequence: missense variant.
Genome position (GRCh38, 1-based): chr6:156,778,590, G>C. VCF-style: chr6-156778590-G-C. GRCh37 (hg19) VCF-style: chr6-157099724-G-C.
Other names: c.661G>C, p.Gly221Arg (NM_001346813.1, NM_020732.3); c.910G>C, p.Gly304Arg (NM_001371656.1, NM_001374820.1, NM_017519.3); c.487G>C, p.Gly163Arg (NM_175863.2); short protein forms G163R, G221R, G304R.
Identifiers: ClinVar variation 1713678 (VCV001713678.6), dbSNP rs1275010536, ClinGen allele CA366382383.

ClinVar aggregate classification (germline): Uncertain significance (1 of 4 stars; one submission).

gnomAD v4.1: 1 of 1,280,318 alleles (0.000078%); highest among the groups gnomAD compares: African/African-American, 0.0016%; no homozygotes.

Submission:

Labcorp Genetics (formerly Invitae), Labcorp
Classification: Uncertain significance. Last evaluated: 2022-09-15. Review status: criteria provided, single submitter. Criteria: Invitae Variant Classification Sherloc (09022015). Collection method: clinical testing. Allele origin: germline.
Comment: This sequence change replaces glycine, which is neutral and non-polar, with arginine, which is basic and polar, at codon 221 of the ARID1B protein (p.Gly221Arg). The frequency data for this variant in the population databases is considered unreliable, as metrics indicate insufficient coverage at this position in the gnomAD database. This variant has not been reported in the literature in individuals affected with ARID1B-related conditions. Algorithms developed to predict the effect of missense changes on protein structure and function are either unavailable or do not agree on the potential impact of this missense change (SIFT: "Deleterious"; PolyPhen-2: "Not Available"; Align-GVGD: "Class C0"). In summary, the available evidence is currently insufficient to determine the role of this variant in disease. Therefore, it has been classified as a Variant of Uncertain Significance.